The following is an entry in ClinVar:

ClinVar aggregate classification (germline): Uncertain significance (1 of 4 stars; one submission).

Allele frequency attached by ClinVar (database versions not stated): gnomAD 0.00001; TOPMed 0.00001.
gnomAD v4.1: 7 of 1,614,004 alleles (0.00043%); highest among the groups gnomAD compares: Non-Finnish European, 0.00059%; no homozygotes.

Submission:

Labcorp Genetics (formerly Invitae), Labcorp
Classification: Uncertain significance. Last evaluated: 2022-04-28. Review status: criteria provided, single submitter. Criteria: Invitae Variant Classification Sherloc (09022015). Collection method: clinical testing. Allele origin: germline.
Comment: This sequence change replaces aspartic acid, which is acidic and polar, with asparagine, which is neutral and polar, at codon 474 of the ADAMTS10 protein (p.Asp474Asn). This variant is present in population databases (no rsID available, gnomAD 0.002%). This variant has not been reported in the literature in individuals affected with ADAMTS10-related conditions. Algorithms developed to predict the effect of missense changes on protein structure and function are either unavailable or do not agree on the potential impact of this missense change (SIFT: "Deleterious"; PolyPhen-2: "Probably Damaging"; Align-GVGD: "Class C15"). In summary, the available evidence is currently insufficient to determine the role of this variant in disease. Therefore, it has been classified as a Variant of Uncertain Significance.

NM_030957.4(ADAMTS10):c.1420G>A (p.Asp474Asn)

Gene: ADAMTS10 (ADAM metallopeptidase with thrombospondin type 1 motif 10; minus strand). Cytogenetic location: 19p13.2.
Variant type: single nucleotide variant.
Coding change: c.1420G>A on transcript NM_030957.4 (MANE Select); coding-DNA position 1420, G replaced by A.
Protein change: p.Asp474Asn; replaces aspartic acid 474 with asparagine.
Molecular consequence: missense variant.
Genome position (GRCh38, 1-based): chr19:8,595,821, C>T on the plus strand (G>A on the coding strand, the complement: ADAMTS10 is on the minus strand). VCF-style: chr19-8595821-C-T. GRCh37 (hg19) VCF-style: chr19-8660705-C-T.
Other names: short protein forms D474N.
Identifiers: ClinVar variation 1989471 (VCV001989471.2), dbSNP rs891068964, ClinGen allele CA305001699.